The following is an entry in ClinVar:

ClinVar aggregate classification (germline): Likely benign (1 of 4 stars; one submission).

gnomAD v4.1: 72 of 1,608,920 alleles (0.0045%); highest among the groups gnomAD compares: Middle Eastern, 0.033%; no homozygotes.

Submission:

Mayo Clinic Laboratories, Mayo Clinic
Classification: Likely benign. Last evaluated: 2025-09-09. Review status: criteria provided, single submitter. Criteria: ACMG Guidelines, 2015. Collection method: clinical testing. Allele origin: germline. Observed: 1 variant allele.
Comment: BP4, BP7

NM_005845.5(ABCC4):c.1722C>T (p.Phe574=)

Gene: ABCC4 (ATP binding cassette subfamily C member 4 (PEL blood group); minus strand). Cytogenetic location: 13q32.1.
Variant type: single nucleotide variant.
Coding change: c.1722C>T on transcript NM_005845.5 (MANE Select); coding-DNA position 1722, C replaced by T.
Protein change: p.Phe574=; no amino-acid change (phenylalanine 574 retained).
Molecular consequence: synonymous variant.
Genome position (GRCh38, 1-based): chr13:95,177,712, G>A on the plus strand (C>T on the coding strand, the complement: ABCC4 is on the minus strand). VCF-style: chr13-95177712-G-A. GRCh37 (hg19) VCF-style: chr13-95829966-G-A.
Other names: p.Phe574=; c.1722C>T, p.Phe574= (NM_001105515.3, NM_001301829.2); c.1497C>T, p.Phe499= (NM_001301830.2).
Identifiers: ClinVar variation 4683816 (VCV004683816.1).